The following is an entry in ClinVar:

NM_000340.2(SLC2A2):c.73G>A (p.Gly25Arg)

Gene: SLC2A2 (solute carrier family 2 member 2; minus strand). Cytogenetic location: 3q26.2.
Variant type: single nucleotide variant.
Coding change: c.73G>A on transcript NM_000340.2 (MANE Select); coding-DNA position 73, G replaced by A.
Protein change: p.Gly25Arg; replaces glycine 25 with arginine.
Molecular consequence: missense variant. On other transcripts: 5 prime UTR variant (2).
Genome position (GRCh38, 1-based): chr3:171,018,566, C>T on the plus strand (G>A on the coding strand, the complement: SLC2A2 is on the minus strand). VCF-style: chr3-171018566-C-T. GRCh37 (hg19) VCF-style: chr3-170736355-C-T.
Other names: c.-22G>A (NM_001278658.2); c.-322G>A (NM_001278659.2); short protein forms G25R.
Identifiers: ClinVar variation 1914614 (VCV001914614.5), dbSNP rs2473923630, ClinGen allele CA355480630.

ClinVar aggregate classification (germline): Uncertain significance (1 of 4 stars; one submission).

Conditions:
Fanconi-Bickel syndrome (FBS). Also called: PSEUDO-PHLORIZIN DIABETES; FANCONI SYNDROME WITH INTESTINAL MALABSORPTION AND GALACTOSE INTOLERANCE; HEPATIC GLYCOGENOSIS WITH AMINO ACIDURIA AND GLUCOSURIA; HEPATIC GLYCOGENOSIS WITH FANCONI NEPHROPATHY; HEPATORENAL GLYCOGENOSIS WITH RENAL FANCONI SYNDROME; Glycogen storage disease due to GLUT2 deficiency. Identifiers: Orphanet 2088, MedGen C3495427, MONDO:0009216, OMIM 227810.

gnomAD v4.1: 1 of 1,613,978 alleles (0.000062%); no homozygotes.

Submission:

Labcorp Genetics (formerly Invitae), Labcorp
Classification: Uncertain significance for Fanconi-Bickel syndrome. Last evaluated: 2025-10-01. Review status: criteria provided, single submitter. Criteria: Invitae Variant Classification Sherloc (09022015). Collection method: clinical testing. Allele origin: germline.
Comment: This sequence change replaces glycine, which is neutral and non-polar, with arginine, which is basic and polar, at codon 25 of the SLC2A2 protein (p.Gly25Arg). This variant is not present in population databases (gnomAD no frequency). This variant has not been reported in the literature in individuals affected with SLC2A2-related conditions. ClinVar contains an entry for this variant (Variation ID: 1914614). Invitae Evidence Modeling of protein sequence and biophysical properties (such as structural, functional, and spatial information, amino acid conservation, physicochemical variation, residue mobility, and thermodynamic stability) indicates that this missense variant is expected to disrupt SLC2A2 protein function with a positive predictive value of 80%. Algorithms developed to predict the effect of sequence changes on RNA splicing suggest that this variant may disrupt the consensus splice site. In summary, the available evidence is currently insufficient to determine the role of this variant in disease. Therefore, it has been classified as a Variant of Uncertain Significance.